The following is an entry in ClinVar:

ClinVar aggregate classification (germline): Benign/Likely benign. Review status: criteria provided, multiple submitters, no conflicts (2 of 4 stars). 5 submissions from 5 submitters: Benign (3); Likely benign (2). Last evaluated 2026-06-01.

Conditions:
Lathosterolosis. Also called: STEROL C5-DESATURASE DEFICIENCY; SC5D DEFICIENCY. Identifiers: Orphanet 46059, MedGen C1846421, MONDO:0011816, OMIM 607330.

Allele frequency attached by ClinVar (database versions not stated): 1000 Genomes Project 0.00319; 1000 Genomes Project 30x 0.00375; TOPMed 0.00629; gnomAD 0.00708 and 0.00730; ExAC 0.00720; gnomAD exomes 0.00751 and 0.01026; ESP Exome Variant Server 0.00777.

Submissions (5):

CeGaT Center for Human Genetics Tuebingen
Classification: Benign. Last evaluated: 2026-06-01. Review status: criteria provided, single submitter. Criteria: CeGaT Center For Human Genetics Tuebingen Variant Classification Criteria Version 2. Collection method: clinical testing. Allele origin: germline. Affected: yes. Observed: 11 variant alleles.
Comment: SC5D: BP4, BS1, BS2

Labcorp Genetics (formerly Invitae), Labcorp
Classification: Benign. Last evaluated: 2026-01-27. Review status: criteria provided, single submitter. Criteria: Invitae Variant Classification Sherloc (09022015). Collection method: clinical testing. Allele origin: germline.

GeneDx
Classification: Benign. Last evaluated: 2021-02-03. Review status: criteria provided, single submitter. Criteria: GeneDx Variant Classification Process June 2021. Collection method: clinical testing. Allele origin: germline. Affected: yes.

Illumina Laboratory Services, Illumina
Classification: Likely benign for Lathosterolosis. Last evaluated: 2018-01-13. Review status: criteria provided, single submitter. Criteria: ICSL Variant Classification Criteria 13 December 2019. Collection method: clinical testing. Allele origin: germline.
Comment: This variant was observed in the ICSL laboratory as part of a predisposition screen in an ostensibly healthy population. It had not been previously curated by ICSL or reported in the Human Gene Mutation Database (HGMD: prior to June 1st, 2018), and was therefore a candidate for classification through an automated scoring system. Utilizing variant allele frequency, disease prevalence and penetrance estimates, and inheritance mode, an automated score was calculated to assess if this variant is too frequent to cause the disease. Based on the score and internal cut-off values, a variant classified as likely benign is not then subjected to further curation. The score for this variant resulted in a classification of likely benign for this disease.

Breakthrough Genomics
Classification: Likely benign. Review status: criteria provided, single submitter. Criteria: ACMG Guidelines, 2015. Collection method: not provided. Allele origin: germline. Inheritance: Autosomal recessive inheritance. Affected: yes.

NM_006918.5(SC5D):c.211-8A>T

Gene: SC5D (sterol-C5-desaturase; plus strand). Cytogenetic location: 11q24.1.
Variant type: single nucleotide variant.
Coding change: c.211-8A>T on transcript NM_006918.5 (MANE Select); 8 bases into the intron before coding-DNA position 211, A replaced by T.
Molecular consequence: intron variant.
Genome position (GRCh38, 1-based): chr11:121,304,353, A>T. VCF-style: chr11-121304353-A-T. GRCh37 (hg19) VCF-style: chr11-121175062-A-T.
Other names: c.211-8A>T (NM_001024956.3).
Identifiers: ClinVar variation 677238 (VCV000677238.40), dbSNP rs116993308, ClinGen allele CA6328074.